The following is an entry in ClinVar:

ClinVar aggregate classification (germline): Likely benign. Review status: criteria provided, multiple submitters, no conflicts (2 of 4 stars). 5 submissions from 5 submitters: Likely benign (5). Last evaluated 2024-12-24.

Conditions:
Hereditary breast ovarian cancer syndrome. Also called: Hereditary breast and ovarian cancer syndrome; Hereditary breast and/or ovarian cancer syndrome; BRCA1- and BRCA2-Associated Hereditary Breast and Ovarian Cancer; Hereditary breast and ovarian cancer; Hereditary breast and ovarian cancer syndrome (HBOC); Breast and ovarian cancer. Identifiers: Orphanet 145, MedGen C0677776, MeSH D061325, MONDO:0003582. Disease mechanism: loss of function.
Hereditary cancer-predisposing syndrome. Also called: Neoplastic Syndromes, Hereditary; Tumor predisposition; Hereditary Cancer Syndrome; Hereditary neoplastic syndrome. Identifiers: Orphanet 140162, MedGen C0027672, MeSH D009386, MONDO:0015356.

Allele frequency attached by ClinVar (database versions not stated): gnomAD exomes below 0.00001; ExAC 0.00001; TOPMed 0.00001.

Submissions (5):

Labcorp Genetics (formerly Invitae), Labcorp
Classification: Likely benign for Hereditary breast ovarian cancer syndrome. Last evaluated: 2024-12-24. Review status: criteria provided, single submitter. Criteria: Invitae Variant Classification Sherloc (09022015). Collection method: clinical testing. Allele origin: germline.

Women's Health and Genetics/Laboratory Corporation of America, LabCorp
Classification: Likely benign. Last evaluated: 2024-04-10. Review status: criteria provided, single submitter. Criteria: LabCorp Variant Classification Summary - May 2015. Collection method: clinical testing. Allele origin: germline.

Blueprint Genetics
Classification: Likely benign. Last evaluated: 2021-09-17. Review status: criteria provided, single submitter. Criteria: ACMG Guidelines, 2015. Collection method: clinical testing. Allele origin: germline.

Color Diagnostics, LLC DBA Color Health
Classification: Likely benign for Hereditary cancer-predisposing syndrome. Last evaluated: 2017-04-03. Review status: criteria provided, single submitter. Criteria: ACMG Guidelines, 2015. Collection method: clinical testing. Allele origin: germline.

GeneDx
Classification: Likely benign. Last evaluated: 2017-01-30. Review status: criteria provided, single submitter. Criteria: GeneDx Variant Classification (06012015). Collection method: clinical testing. Allele origin: germline. Affected: yes.
Comment: This variant is considered likely benign or benign based on one or more of the following criteria: it is a conservative change, it occurs at a poorly conserved position in the protein, it is predicted to be benign by multiple in silico algorithms, and/or has population frequency not consistent with disease.

NM_007294.4(BRCA1):c.5277+17C>G

Gene: BRCA1 (BRCA1 DNA repair associated; minus strand). Cytogenetic location: 17q21.31.
Variant type: single nucleotide variant.
Coding change: c.5277+17C>G on transcript NM_007294.4 (MANE Select); 17 bases into the intron after coding-DNA position 5277, C replaced by G.
Molecular consequence: intron variant.
Genome position (GRCh38, 1-based): chr17:43,057,035, G>C on the plus strand (C>G on the coding strand, the complement: BRCA1 is on the minus strand). VCF-style: chr17-43057035-G-C. GRCh37 (hg19) VCF-style: chr17-41209052-G-C.
Other names: c.1824+17C>G (NM_001408458.1, NM_001408461.1, NM_001408464.1 and 7 more transcripts); c.4386+17C>G (NM_001407967.1); c.4896+17C>G (NM_001407959.1); c.5010+17C>G (NM_001407931.1, NM_001407932.1, NM_001407928.1 and 4 more transcripts); c.5133+17C>G (NM_001407747.1, NM_001407745.1, NM_001407737.1 and 21 more transcripts); c.4893+17C>G (NM_001407962.1, NM_001407960.1); c.1464+17C>G (NM_001408512.1); c.1587+17C>G (NM_001408510.1); and 72 more.
Identifiers: ClinVar variation 415598 (VCV000415598.16), dbSNP rs749918224, ClinGen allele CA054309.
Genomic context (GRCh38, chr17:43,057,035, plus strand): 5'-GGCCCATCTCTGCAAAGGGGAGTGGAATACAGAGTGGTGGGGTGAGATTTTTGTCAACTT[G>C]AGGGAGGGAGCTTTACCTTTCTGTCCTGGGATTCTCTTGCTCGCTTTGGACCTTGGTGGT-3'